The following is an entry in ClinVar:

NM_000059.4(BRCA2):c.676A>G (p.Thr226Ala)

Gene: BRCA2 (BRCA2 DNA repair associated; plus strand). Cytogenetic location: 13q13.1.
Variant type: single nucleotide variant.
Coding change: c.676A>G on transcript NM_000059.4 (MANE Select); coding-DNA position 676, A replaced by G.
Protein change: p.Thr226Ala; replaces threonine 226 with alanine.
Molecular consequence: missense variant.
Genome position (GRCh38, 1-based): chr13:32,329,487, A>G. VCF-style: chr13-32329487-A-G. GRCh37 (hg19) VCF-style: chr13-32903624-A-G.
Other names: 904A>G; short protein forms T226A.
Identifiers: ClinVar variation 52181 (VCV000052181.25), dbSNP rs80358902, ClinGen allele CA024396.

ClinVar aggregate classification (germline): Conflicting classifications of pathogenicity. Review status: criteria provided, conflicting classifications (1 of 4 stars). 8 submissions from 8 submitters: Uncertain significance (3); Likely benign (3). 2 of the submissions do not count toward it. Last evaluated 2025-11-11.

Conditions:
Breast and/or ovarian cancer. Identifiers: MedGen CN221562.
Hereditary cancer-predisposing syndrome. Also called: Neoplastic Syndromes, Hereditary; Tumor predisposition; Hereditary neoplastic syndrome; Hereditary Cancer Syndrome. Identifiers: Orphanet 140162, MedGen C0027672, MeSH D009386, MONDO:0015356.
Hereditary breast ovarian cancer syndrome. Also called: Hereditary breast and ovarian cancer syndrome; Hereditary breast and ovarian cancer; Hereditary breast and ovarian cancer syndrome (HBOC); Breast and ovarian cancer; Hereditary breast and/or ovarian cancer syndrome; BRCA1- and BRCA2-Associated Hereditary Breast and Ovarian Cancer. Identifiers: Orphanet 145, MedGen C0677776, MeSH D061325, MONDO:0003582. Disease mechanism: loss of function.
Breast-ovarian cancer, familial, susceptibility to, 2 (BROVCA2). Also called: BRCA2 Hereditary Breast and Ovarian Cancer. Identifiers: Orphanet 145, MedGen C2675520, MONDO:0012933, OMIM 612555. Disease mechanism: loss of function.

Allele frequency attached by ClinVar (database versions not stated): gnomAD exomes below 0.00001; TOPMed 0.00001.
gnomAD v4.1: 3 of 1,596,454 alleles (0.00019%); highest among the groups gnomAD compares: Non-Finnish European, 0.00026%; no homozygotes.

Submissions (8):

Color Diagnostics, LLC DBA Color Health
Classification: Likely benign for Hereditary cancer-predisposing syndrome. Last evaluated: 2025-11-11. Review status: criteria provided, single submitter. Criteria: ACMG Guidelines, 2015. Collection method: clinical testing. Allele origin: germline.

Labcorp Genetics (formerly Invitae), Labcorp
Classification: Likely benign for Hereditary breast ovarian cancer syndrome. Last evaluated: 2025-11-10. Review status: criteria provided, single submitter. Criteria: Invitae Variant Classification Sherloc (09022015). Collection method: clinical testing. Allele origin: germline.

Quest Diagnostics Nichols Institute San Juan Capistrano
Classification: Uncertain significance. Last evaluated: 2024-10-15. Review status: criteria provided, single submitter. Criteria: Quest Diagnostics criteria. Collection method: clinical testing. Allele origin: unknown.
Comment: The BRCA2 c.676A>G (p.Thr226Ala) variant has not been reported in individuals with BRCA2-related conditions in the published literature. The frequency of this variant in the general population, 0.0000041 (1/244244 chromosomes (Genome Aggregation Database)), is uninformative in the assessment of its pathogenicity. Analysis of this variant using bioinformatics tools for the prediction of the effect of amino acid changes on protein structure and function yielded predictions that this variant is benign. Based on the available information, we are unable to determine the clinical significance of this variant.

CHEO Genetics Diagnostic Laboratory, Children's Hospital of Eastern Ontario
Classification: Uncertain significance for Breast and/or ovarian cancer. Last evaluated: 2019-01-24. Review status: criteria provided, single submitter. Criteria: ACMG Guidelines, 2015. Collection method: clinical testing. Allele origin: germline.

Ambry Genetics
Classification: Likely benign for Hereditary cancer-predisposing syndrome. Last evaluated: 2018-09-10. Review status: criteria provided, single submitter. Criteria: Ambry Variant Classification Scheme 2023. Collection method: clinical testing. Allele origin: germline.

GeneDx
Classification: Uncertain significance. Last evaluated: 2018-04-05. Review status: criteria provided, single submitter. Criteria: GeneDx Variant Classification (06012015). Collection method: clinical testing. Allele origin: germline. Affected: yes.
Comment: This variant is denoted BRCA2 c.676A>G at the cDNA level, p.Thr226Ala (T226A) at the protein level, and results in the change of a Threonine to an Alanine (ACT>GCT). Using alternate nomenclature, this variant would be defined as BRCA2 904A>G. This variant has not, to our knowledge, been published in the literature as pathogenic or benign. BRCA2 Thr226Ala was not observed at a significant allele frequency in large population cohorts (Lek 2016). This variant is not located in a known functional domain. In silico analysis, which includes protein predictors and evolutionary conservation, supports that this variant does not alter protein structure/function. Based on currently available evidence, it is unclear whether BRCA2 Thr226Ala is a pathogenic or benign variant. We consider it to be a variant of uncertain significance.

Sharing Clinical Reports Project (SCRP)
Classification: Uncertain significance for Breast-ovarian cancer, familial 2. Last evaluated: 2008-12-26. Review status: no assertion criteria provided. Collection method: clinical testing. Allele origin: germline. Not counted in ClinVar's aggregate classification.

Breast Cancer Information Core (BIC) (BRCA2)
Classification: Uncertain significance for Breast-ovarian cancer, familial 2. Last evaluated: 2003-12-23. Review status: no assertion criteria provided. Collection method: clinical testing. Allele origin: germline. Affected: yes. Observed: 1 variant allele. Not counted in ClinVar's aggregate classification.

Literature cited by the submitters: PubMed 28569743 (cited by Quest Diagnostics Nichols Institute San Juan Capistrano); PubMed 31229654 (cited by Quest Diagnostics Nichols Institute San Juan Capistrano).